The following is an entry in ClinVar:

ClinVar aggregate classification (germline): Uncertain significance (1 of 4 stars; one submission).

Allele frequency attached by ClinVar (database versions not stated): TOPMed 0.00001.
gnomAD v4.1: 5 of 1,578,958 alleles (0.00032%); highest among the groups gnomAD compares: Admixed American, 0.0088%; no homozygotes.

Submission:

Labcorp Genetics (formerly Invitae), Labcorp
Classification: Uncertain significance. Last evaluated: 2024-01-18. Review status: criteria provided, single submitter. Criteria: Invitae Variant Classification Sherloc (09022015). Collection method: clinical testing. Allele origin: germline.
Comment: This sequence change replaces glycine, which is neutral and non-polar, with arginine, which is basic and polar, at codon 497 of the C7 protein (p.Gly497Arg). This variant also falls at the last nucleotide of exon 11, which is part of the consensus splice site for this exon. This variant is present in population databases (no rsID available, gnomAD 0.007%). This variant has not been reported in the literature in individuals affected with C7-related conditions. An algorithm developed to predict the effect of missense changes on protein structure and function (PolyPhen-2) suggests that this variant is likely to be disruptive. Variants that disrupt the consensus splice site are a relatively common cause of aberrant splicing (PMID: 17576681, 9536098). Algorithms developed to predict the effect of sequence changes on RNA splicing suggest that this variant may disrupt the consensus splice site. In summary, the available evidence is currently insufficient to determine the role of this variant in disease. Therefore, it has been classified as a Variant of Uncertain Significance.

Literature cited by the submitters: PubMed 17576681; PubMed 9536098.

NM_000587.4(C7):c.1489G>A (p.Gly497Arg)

Gene: C7 (complement C7; plus strand). Cytogenetic location: 5p13.1.
Variant type: single nucleotide variant.
Coding change: c.1489G>A on transcript NM_000587.4 (MANE Select); coding-DNA position 1489, G replaced by A.
Protein change: p.Gly497Arg; replaces glycine 497 with arginine.
Molecular consequence: missense variant.
Genome position (GRCh38, 1-based): chr5:40,958,261, G>A. VCF-style: chr5-40958261-G-A. GRCh37 (hg19) VCF-style: chr5-40958363-G-A.
Other names: short protein forms G497R.
Identifiers: ClinVar variation 2793543 (VCV002793543.3), dbSNP rs989098811, ClinGen allele CA359587042.